The following is an entry in ClinVar:

NM_020631.6(PLEKHG5):c.503G>C (p.Ser168Thr)

Gene: PLEKHG5 (pleckstrin homology and RhoGEF domain containing G5; minus strand). Cytogenetic location: 1p36.31.
Variant type: single nucleotide variant.
Coding change: c.503G>C on transcript NM_020631.6 (MANE Select); coding-DNA position 503, G replaced by C.
Protein change: p.Ser168Thr; replaces serine 168 with threonine.
Molecular consequence: missense variant.
Genome position (GRCh38, 1-based): chr1:6,474,101, C>G on the plus strand (G>C on the coding strand, the complement: PLEKHG5 is on the minus strand). VCF-style: chr1-6474101-C-G. GRCh37 (hg19) VCF-style: chr1-6534161-C-G.
Other names: c.503G>C, p.Ser168Thr (NM_198681.4, NM_001265594.3, NM_001042664.2 and 1 more transcripts); c.614G>C, p.Ser205Thr (NM_001265592.2, NM_001042663.3); c.710G>C, p.Ser237Thr (NM_001265593.2); short protein forms S168T, S205T, S237T.
Identifiers: ClinVar variation 1353620 (VCV001353620.5), dbSNP rs1346810555, ClinGen allele CA338138714.

ClinVar aggregate classification (germline): Uncertain significance (1 of 4 stars; one submission).

Conditions:
Neuronopathy, distal hereditary motor, autosomal recessive 4. Also called: NEUROPATHY, DISTAL HEREDITARY MOTOR, AUTOSOMAL RECESSIVE 4; Autosomal recessive lower motor neuron disease with childhood onset. Identifiers: Orphanet 206580, MedGen C1970211, MONDO:0012608, OMIM 611067.
Charcot-Marie-Tooth disease recessive intermediate C. Also called: CHARCOT-MARIE-TOOTH NEUROPATHY, RECESSIVE INTERMEDIATE C. Identifiers: Orphanet 369867, MedGen C3809309, MONDO:0014154, OMIM 615376.

Submission:

Labcorp Genetics (formerly Invitae), Labcorp
Classification: Uncertain significance for Neuronopathy, distal hereditary motor, autosomal recessive 4; Charcot-Marie-Tooth disease recessive intermediate C. Last evaluated: 2021-09-02. Review status: criteria provided, single submitter. Criteria: Invitae Variant Classification Sherloc (09022015). Collection method: clinical testing. Allele origin: germline.
Comment: This sequence change replaces serine with threonine at codon 168 of the PLEKHG5 protein (p.Ser168Thr). The serine residue is moderately conserved and there is a small physicochemical difference between serine and threonine. This variant is not present in population databases (ExAC no frequency). This variant has not been reported in the literature in individuals affected with PLEKHG5-related conditions. Algorithms developed to predict the effect of missense changes on protein structure and function are either unavailable or do not agree on the potential impact of this missense change (SIFT: "Deleterious"; PolyPhen-2: "Possibly Damaging"; Align-GVGD: "Class C0"). In summary, the available evidence is currently insufficient to determine the role of this variant in disease. Therefore, it has been classified as a Variant of Uncertain Significance.